The following is an entry in ClinVar:

ClinVar aggregate classification (germline): Uncertain significance. Review status: criteria provided, multiple submitters, no conflicts (2 of 4 stars). 2 submissions from 2 submitters: Uncertain significance (2). Last evaluated 2022-05-12.

Conditions:
Developmental and epileptic encephalopathy, 50 (DEE50). Also called: Epileptic encephalopathy, early infantile, 50. Identifiers: Orphanet 448010, MedGen C4225320, MONDO:0014647, OMIM 616457.

Allele frequency attached by ClinVar (database versions not stated): ExAC 0.00009; TOPMed 0.00009; gnomAD exomes 0.00010 and 0.00013; gnomAD 0.00012 and 0.00013.
gnomAD v4.1: 212 of 1,614,048 alleles (0.013%); highest among the groups gnomAD compares: Non-Finnish European, 0.017%; no homozygotes.

Submissions (2):

Labcorp Genetics (formerly Invitae), Labcorp
Classification: Uncertain significance. Last evaluated: 2022-05-12. Review status: criteria provided, single submitter. Criteria: Invitae Variant Classification Sherloc (09022015). Collection method: clinical testing. Allele origin: germline.
Comment: This sequence change replaces arginine, which is basic and polar, with glutamine, which is neutral and polar, at codon 373 of the CAD protein (p.Arg373Gln). This variant is present in population databases (rs779009526, gnomAD 0.02%). This variant has not been reported in the literature in individuals affected with CAD-related conditions. ClinVar contains an entry for this variant (Variation ID: 1032894). Algorithms developed to predict the effect of missense changes on protein structure and function (SIFT, PolyPhen-2, Align-GVGD) all suggest that this variant is likely to be tolerated. In summary, the available evidence is currently insufficient to determine the role of this variant in disease. Therefore, it has been classified as a Variant of Uncertain Significance.

Baylor Genetics
Classification: Uncertain significance for Developmental and epileptic encephalopathy, 50. Last evaluated: 2018-03-15. Review status: criteria provided, single submitter. Criteria: ACMG Guidelines, 2015. Collection method: clinical testing. Allele origin: paternal. Affected: yes.
Comment: This variant was determined to be of uncertain significance according to ACMG Guidelines, 2015 [PMID:25741868].

NM_004341.5(CAD):c.1118G>A (p.Arg373Gln)

Gene: CAD (carbamoyl-phosphate synthetase 2, aspartate transcarbamylase, and dihydroorotase; plus strand). Cytogenetic location: 2p23.3.
Variant type: single nucleotide variant.
Coding change: c.1118G>A on transcript NM_004341.5 (MANE Select); coding-DNA position 1118, G replaced by A.
Protein change: p.Arg373Gln; replaces arginine 373 with glutamine.
Molecular consequence: missense variant.
Genome position (GRCh38, 1-based): chr2:27,224,354, G>A. VCF-style: chr2-27224354-G-A. GRCh37 (hg19) VCF-style: chr2-27447222-G-A.
Other names: c.1118G>A, p.Arg373Gln (NM_001306079.2); short protein forms R373Q.
Identifiers: ClinVar variation 1032894 (VCV001032894.4), dbSNP rs779009526, ClinGen allele CA1572621.